The following is an entry in ClinVar:

ClinVar aggregate classification (germline): Uncertain significance. Review status: criteria provided, multiple submitters, no conflicts (2 of 4 stars). 2 submissions from 2 submitters: Uncertain significance (2). Last evaluated 2023-12-05.

Conditions:
Lethal congenital glycogen storage disease of heart. Also called: GLYCOGEN STORAGE DISEASE OF HEART; PHOSPHORYLASE KINASE DEFICIENCY OF HEART. Identifiers: Orphanet 439854, MedGen C1849813, MONDO:0009867, OMIM 261740.
Cardiomyopathy (CMYO). Also called: Cardiomyopathies. Identifiers: Orphanet 167848, MedGen C0878544, MONDO:0004994, HP:0001638. Inheritance: Various modes of inheritance.

Allele frequency attached by ClinVar (database versions not stated): gnomAD exomes below 0.00001.
gnomAD v4.1: 2 of 1,613,862 alleles (0.00012%); highest among the groups gnomAD compares: Non-Finnish European, 0.000085%; no homozygotes.

Submissions (2):

Color Diagnostics, LLC DBA Color Health
Classification: Uncertain significance for Cardiomyopathy. Last evaluated: 2023-12-05. Review status: criteria provided, single submitter. Criteria: ACMG Guidelines, 2015. Collection method: clinical testing. Allele origin: germline.
Comment: This missense variant replaces alanine with valine at codon 395 of the PRKAG2 protein. Computational prediction tools and conservation analyses are inconclusive regarding the impact of this variant on the protein function. Computational splicing tools suggest that this variant may not impact RNA splicing. To our knowledge, functional assays have not been performed for this variant nor has this variant been reported in individuals affected with cardiovascular disorders in the literature. This variant has not been identified in the general population by the Genome Aggregation Database (gnomAD). Available evidence is insufficient to determine the role of this variant in disease conclusively. Therefore, this variant is classified as a Variant of Uncertain Significance.

Labcorp Genetics (formerly Invitae), Labcorp
Classification: Uncertain significance for Lethal congenital glycogen storage disease of heart. Last evaluated: 2021-06-28. Review status: criteria provided, single submitter. Criteria: Invitae Variant Classification Sherloc (09022015). Collection method: clinical testing. Allele origin: germline.
Comment: This variant has not been reported in the literature in individuals with PRKAG2-related conditions. ClinVar contains an entry for this variant (Variation ID: 920610). Advanced modeling of protein sequence and biophysical properties (such as structural, functional, and spatial information, amino acid conservation, physicochemical variation, residue mobility, and thermodynamic stability) performed at Invitae indicates that this missense variant is not expected to disrupt PRKAG2 protein function. In summary, the available evidence is currently insufficient to determine the role of this variant in disease. Therefore, it has been classified as a Variant of Uncertain Significance. This variant is not present in population databases (ExAC no frequency). This sequence change replaces alanine with valine at codon 395 of the PRKAG2 protein (p.Ala395Val). The alanine residue is moderately conserved and there is a small physicochemical difference between alanine and valine.

NM_016203.4(PRKAG2):c.1184C>T (p.Ala395Val)

Gene: PRKAG2 (protein kinase AMP-activated non-catalytic subunit gamma 2; minus strand). Cytogenetic location: 7q36.1.
Variant type: single nucleotide variant.
Coding change: c.1184C>T on transcript NM_016203.4 (MANE Select); coding-DNA position 1184, C replaced by T.
Protein change: p.Ala395Val; replaces alanine 395 with valine.
Molecular consequence: missense variant.
Genome position (GRCh38, 1-based): chr7:151,568,765, G>A on the plus strand (C>T on the coding strand, the complement: PRKAG2 is on the minus strand). VCF-style: chr7-151568765-G-A. GRCh37 (hg19) VCF-style: chr7-151265851-G-A.
Other names: c.1052C>T, p.Ala351Val (NM_001040633.2); c.809C>T, p.Ala270Val (NM_001304527.2); c.461C>T, p.Ala154Val (NM_001304531.2, NM_024429.2); c.812C>T, p.Ala271Val (NM_001363698.2); short protein forms A270V, A271V, A351V, A395V, A154V.
Identifiers: ClinVar variation 920610 (VCV000920610.12), dbSNP rs1806859703, ClinGen allele CA370071510.